The following is an entry in ClinVar:

ClinVar aggregate classification (germline): Uncertain significance (1 of 4 stars; one submission).

Conditions:
Acyl-CoA oxidase deficiency. Also called: STRAIGHT-CHAIN ACYL-CoA OXIDASE DEFICIENCY; Pseudoneonatal adrenoleukodystrophy; Peroxisomal acyl-CoA oxidase deficiency. Identifiers: Orphanet 2971, MedGen C1849678, MONDO:0009919, OMIM 264470. Disease mechanism: loss of function.

Allele frequency attached by ClinVar (database versions not stated): ExAC 0.00001.

Submission:

Labcorp Genetics (formerly Invitae), Labcorp
Classification: Uncertain significance for Acyl-CoA oxidase deficiency. Last evaluated: 2023-06-14. Review status: criteria provided, single submitter. Criteria: Invitae Variant Classification Sherloc (09022015). Collection method: clinical testing. Allele origin: germline.
Comment: In summary, the available evidence is currently insufficient to determine the role of this variant in disease. Therefore, it has been classified as a Variant of Uncertain Significance. An algorithm developed to predict the effect of missense changes on protein structure and function (PolyPhen-2) suggests that this variant is likely to be disruptive. This variant has not been reported in the literature in individuals affected with ACOX1-related conditions. This variant is present in population databases (rs765997588, gnomAD 0.0009%). This sequence change replaces arginine, which is basic and polar, with glycine, which is neutral and non-polar, at codon 9 of the ACOX1 protein (p.Arg9Gly).

NM_004035.7(ACOX1):c.25C>G (p.Arg9Gly)

Gene: ACOX1 (acyl-CoA oxidase 1; minus strand). Cytogenetic location: 17q25.1.
Variant type: single nucleotide variant.
Coding change: c.25C>G on transcript NM_004035.7 (MANE Select); coding-DNA position 25, C replaced by G.
Protein change: p.Arg9Gly; replaces arginine 9 with glycine.
Molecular consequence: missense variant. On other transcripts: 5 prime UTR variant (1).
Genome position (GRCh38, 1-based): chr17:75,979,049, G>C on the plus strand (C>G on the coding strand, the complement: ACOX1 is on the minus strand). VCF-style: chr17-75979049-G-C. GRCh37 (hg19) VCF-style: chr17-73975130-G-C.
Other names: c.-264C>G (NM_001185039.2); c.25C>G, p.Arg9Gly (NM_007292.6); short protein forms R9G.
Identifiers: ClinVar variation 2956247 (VCV002956247.3), dbSNP rs765997588, ClinGen allele CA8777176.